The following is an entry in ClinVar:

ClinVar aggregate classification (germline): Uncertain significance (1 of 4 stars; one submission).

Allele frequency attached by ClinVar (database versions not stated): gnomAD exomes below 0.00001; gnomAD 0.00001.
gnomAD v4.1: 1 of 1,613,132 alleles (0.000062%); highest among the groups gnomAD compares: African/African-American, 0.0013%; no homozygotes.

Submission:

Labcorp Genetics (formerly Invitae), Labcorp
Classification: Uncertain significance. Last evaluated: 2021-12-19. Review status: criteria provided, single submitter. Criteria: Invitae Variant Classification Sherloc (09022015). Collection method: clinical testing. Allele origin: germline.
Comment: This sequence change replaces glycine, which is neutral and non-polar, with arginine, which is basic and polar, at codon 2189 of the COL7A1 protein (p.Gly2189Arg). This variant is not present in population databases (gnomAD no frequency). This variant has not been reported in the literature in individuals affected with COL7A1-related conditions. Advanced modeling of protein sequence and biophysical properties (such as structural, functional, and spatial information, amino acid conservation, physicochemical variation, residue mobility, and thermodynamic stability) performed at Invitae indicates that this missense variant is expected to disrupt COL7A1 protein function. This variant disrupts the triple helix domain of COL7A1. Glycine residues within the Gly-Xaa-Yaa repeats of the triple helix domain are required for the structure and stability of fibrillar collagens (PMID: 7695699, 8218237, 19344236), and variants at these glycine residues in COL7A1 are more frequently observed in individuals with disease than in the general population (PMID: 22058051). However, the clinical significance of this observation remains uncertain since only a limited number of affected individuals have been described to date. In summary, the available evidence is currently insufficient to determine the role of this variant in disease. Therefore, it has been classified as a Variant of Uncertain Significance.

Literature cited by the submitters: PubMed 7695699; PubMed 8218237; PubMed 19344236; PubMed 22058051.

NM_000094.4(COL7A1):c.6565G>C (p.Gly2189Arg)

Gene: COL7A1 (collagen type VII alpha 1 chain; minus strand). Cytogenetic location: 3p21.31.
Variant type: single nucleotide variant.
Coding change: c.6565G>C on transcript NM_000094.4 (MANE Select); coding-DNA position 6565, G replaced by C.
Protein change: p.Gly2189Arg; replaces glycine 2189 with arginine.
Molecular consequence: missense variant.
Genome position (GRCh38, 1-based): chr3:48,573,698, C>G on the plus strand (G>C on the coding strand, the complement: COL7A1 is on the minus strand). VCF-style: chr3-48573698-C-G. GRCh37 (hg19) VCF-style: chr3-48611131-C-G.
Other names: short protein forms G2189R.
Identifiers: ClinVar variation 1347661 (VCV001347661.3), dbSNP rs1355721102, ClinGen allele CA352656840.
Genomic context (GRCh38, chr3:48,573,698, plus strand): 5'-CCTATCCCAGCCCTTCCAGACCCTCACCAGGCAGTGTTCCCTGGTCACTCACCGGGGCAC[C>G]AGGTGGTCCAGGGTCTCCATGACCACCCTGTTGTGGCGAAAAAGAGTCTGATGAGGGGGA-3'
Protein context (NP_000085.1, residues 2179-2199): VGGHGDPGPP[Gly2189Arg]APGLAGPAGP